The following is an entry in ClinVar:

NM_004281.4(BAG3):c.1366G>A (p.Glu456Lys)

Gene: BAG3 (BAG cochaperone 3; plus strand). Cytogenetic location: 10q26.11.
Variant type: single nucleotide variant.
Coding change: c.1366G>A on transcript NM_004281.4 (MANE Select); coding-DNA position 1366, G replaced by A.
Protein change: p.Glu456Lys; replaces glutamic acid 456 with lysine.
Molecular consequence: missense variant.
Genome position (GRCh38, 1-based): chr10:119,676,920, G>A. VCF-style: chr10-119676920-G-A. GRCh37 (hg19) VCF-style: chr10-121436432-G-A.
Other names: short protein forms E456K.
Identifiers: ClinVar variation 1770940 (VCV001770940.5), dbSNP rs2494023887, ClinGen allele CA378297169.

ClinVar aggregate classification (germline): Uncertain significance. Review status: criteria provided, multiple submitters, no conflicts (2 of 4 stars). 2 submissions from 2 submitters: Uncertain significance (2). Last evaluated 2023-08-04.

Conditions:
Myofibrillar myopathy 6. Identifiers: Orphanet 199340, MedGen C2751831, MONDO:0013061, OMIM 612954.
Dilated cardiomyopathy 1HH (CMD1HH). Identifiers: Orphanet 154, MedGen C3151293, MONDO:0013479, OMIM 613881.
Cardiovascular phenotype. Identifiers: MedGen CN230736.

Submissions (2):

Labcorp Genetics (formerly Invitae), Labcorp
Classification: Uncertain significance for Dilated cardiomyopathy 1HH; Myofibrillar myopathy 6. Last evaluated: 2023-08-04. Review status: criteria provided, single submitter. Criteria: Invitae Variant Classification Sherloc (09022015). Collection method: clinical testing. Allele origin: germline.
Comment: In summary, the available evidence is currently insufficient to determine the role of this variant in disease. Therefore, it has been classified as a Variant of Uncertain Significance. Advanced modeling of protein sequence and biophysical properties (such as structural, functional, and spatial information, amino acid conservation, physicochemical variation, residue mobility, and thermodynamic stability) performed at Invitae indicates that this missense variant is expected to disrupt BAG3 protein function. ClinVar contains an entry for this variant (Variation ID: 1770940). This variant has not been reported in the literature in individuals affected with BAG3-related conditions. This variant is not present in population databases (gnomAD no frequency). This sequence change replaces glutamic acid, which is acidic and polar, with lysine, which is basic and polar, at codon 456 of the BAG3 protein (p.Glu456Lys).

Ambry Genetics
Classification: Uncertain significance for Cardiovascular phenotype. Last evaluated: 2020-01-24. Review status: criteria provided, single submitter. Criteria: Ambry Variant Classification Scheme 2023. Collection method: clinical testing. Allele origin: germline.
Comment: The p.E456K variant (also known as c.1366G>A), located in coding exon 4 of the BAG3 gene, results from a G to A substitution at nucleotide position 1366. The glutamic acid at codon 456 is replaced by lysine, an amino acid with similar properties. This amino acid position is highly conserved in available vertebrate species. In addition, this alteration is predicted to be deleterious by in silico analysis. Since supporting evidence is limited at this time, the clinical significance of this alteration remains unclear.